The following is an entry in ClinVar:

ClinVar aggregate classification (germline): Uncertain significance (1 of 4 stars; one submission).

Allele frequency attached by ClinVar (database versions not stated): gnomAD exomes below 0.00001; TOPMed below 0.00001.
gnomAD v4.1: 1 of 1,614,146 alleles (0.000062%); highest among the groups gnomAD compares: Non-Finnish European, 0.000085%; no homozygotes.

Submission:

Labcorp Genetics (formerly Invitae), Labcorp
Classification: Uncertain significance. Last evaluated: 2025-08-26. Review status: criteria provided, single submitter. Criteria: Invitae Variant Classification Sherloc (09022015). Collection method: clinical testing. Allele origin: germline.
Comment: This sequence change replaces glutamine, which is neutral and polar, with glutamic acid, which is acidic and polar, at codon 2537 of the KMT2A protein (p.Gln2537Glu). This variant is present in population databases (no rsID available, gnomAD 0.0009%). This variant has not been reported in the literature in individuals affected with KMT2A-related conditions. ClinVar contains an entry for this variant (Variation ID: 2784137). Invitae Evidence Modeling of protein sequence and biophysical properties (such as structural, functional, and spatial information, amino acid conservation, physicochemical variation, residue mobility, and thermodynamic stability) indicates that this missense variant is not expected to disrupt KMT2A protein function with a negative predictive value of 95%. In summary, the available evidence is currently insufficient to determine the role of this variant in disease. Therefore, it has been classified as a Variant of Uncertain Significance.

NM_001197104.2(KMT2A):c.7609C>G (p.Gln2537Glu)

Gene: KMT2A (lysine methyltransferase 2A; plus strand). Cytogenetic location: 11q23.3.
Variant type: single nucleotide variant.
Coding change: c.7609C>G on transcript NM_001197104.2 (MANE Select); coding-DNA position 7609, C replaced by G.
Protein change: p.Gln2537Glu; replaces glutamine 2537 with glutamic acid.
Molecular consequence: missense variant.
Genome position (GRCh38, 1-based): chr11:118,503,501, C>G. VCF-style: chr11-118503501-C-G. GRCh37 (hg19) VCF-style: chr11-118374216-C-G.
Other names: c.7699C>G, p.Gln2567Glu (NM_001412597.1); c.7600C>G, p.Gln2534Glu (NM_005933.4); short protein forms Q2537E, Q2567E, Q2534E.
Identifiers: ClinVar variation 2784137 (VCV002784137.3), dbSNP rs1460173036, ClinGen allele CA382806179.
Genomic context (GRCh38, chr11:118,503,501, plus strand): 5'-GCACCACGGAAACGCACAGTCAAAGTGACACTGACACCTCTAAAAATGGAAAATGAGAGT[C>G]AATCCAAAAATGCCCTGAAAGAAAGTAGTCCTGCTTCCCCTTTGCAAATAGAGTCAACAT-3'
Protein context (NP_001184033.1, residues 2527-2547): LTPLKMENES[Gln2537Glu]SKNALKESSP